The following is an entry in ClinVar:

NM_020911.2(PLXNA4):c.5205C>T (p.Arg1735=)

Gene: PLXNA4 (plexin A4; minus strand). Cytogenetic location: 7q32.3.
Variant type: single nucleotide variant.
Coding change: c.5205C>T on transcript NM_020911.2 (MANE Select); coding-DNA position 5205, C replaced by T.
Protein change: p.Arg1735=; no amino-acid change (arginine 1735 retained).
Molecular consequence: synonymous variant.
Genome position (GRCh38, 1-based): chr7:132,145,139, G>A on the plus strand (C>T on the coding strand, the complement: PLXNA4 is on the minus strand). VCF-style: chr7-132145139-G-A. GRCh37 (hg19) VCF-style: chr7-131829898-G-A.
Other names: c.5205C>T, p.Arg1735= (NM_001393897.1).
Identifiers: ClinVar variation 3355943 (VCV003355943.1).
Genomic context (GRCh38, chr7:132,145,139, plus strand): 5'-TCAGGGCTCCCGATGTGCCCCCTGCCCTCCCTTCACTCACCAATTGCTCTTCCAGGTATG[G>A]CGGACGTGCGGGTCATGAATGCCATGTTTATCAGCCTGCTCATCCAGGAAGTCAAACATG-3'
Protein context (NP_065962.1, residues 1725-1745): DKHGIHDPHV[Arg1735=]HTWKSNCLPL

ClinVar aggregate classification (germline): Likely benign (0 of 4 stars; one submission).

Conditions:
PLXNA4-related disorder. Also called: PLXNA4-related condition.

gnomAD v4.1: 11 of 1,614,038 alleles (0.00068%); highest among the groups gnomAD compares: Non-Finnish European, 0.00093%; no homozygotes.

Submission:

PreventionGenetics, part of Exact Sciences
Classification: Likely benign for PLXNA4-related condition. Last evaluated: 2023-02-18. Review status: no assertion criteria provided. Collection method: clinical testing. Allele origin: germline.
Comment: This variant is classified as likely benign based on ACMG/AMP sequence variant interpretation guidelines (Richards et al. 2015 PMID: 25741868, with internal and published modifications).